The following is an entry in ClinVar:

ClinVar aggregate classification (germline): Conflicting classifications of pathogenicity. Review status: criteria provided, conflicting classifications (1 of 4 stars). 4 submissions from 4 submitters: Uncertain significance (1); Likely benign (2). 1 of the submissions does not count toward it. Last evaluated 2025-11-13.

Conditions:
ITGB2-related disorder. Also called: ITGB2-related condition.
Leukocyte adhesion deficiency 1 (LAD1). Also called: LEUKOCYTE ADHESION DEFICIENCY, TYPE I; LAD 1; Lymphocyte function-associated antigen 1 immunodeficiency; LFA 1 immunodeficiency. Identifiers: Orphanet 2968, Orphanet 99842, MedGen C0398738, MONDO:0007293, OMIM 116920.

Allele frequency attached by ClinVar (database versions not stated): gnomAD below 0.00001 and 0.00007; TOPMed 0.00004; gnomAD exomes 0.00033; ExAC 0.00034; 1000 Genomes Project 0.00060; 1000 Genomes Project 30x 0.00078.
gnomAD v4.1: 234 of 1,613,292 alleles (0.015%); highest among the groups gnomAD compares: South Asian, 0.24%; no homozygotes.

Submissions (4):

Labcorp Genetics (formerly Invitae), Labcorp
Classification: Likely benign for Leukocyte adhesion deficiency 1. Last evaluated: 2025-11-13. Review status: criteria provided, single submitter. Criteria: Invitae Variant Classification Sherloc (09022015). Collection method: clinical testing. Allele origin: germline.

Blueprint Genetics
Classification: Likely benign. Last evaluated: 2024-11-28. Review status: criteria provided, single submitter. Criteria: ACMG Guidelines, 2015. Collection method: clinical testing. Allele origin: germline.

Illumina Laboratory Services, Illumina
Classification: Uncertain significance for Leukocyte adhesion deficiency 1. Last evaluated: 2018-01-13. Review status: criteria provided, single submitter. Criteria: ICSL Variant Classification Criteria 13 December 2019. Collection method: clinical testing. Allele origin: germline.

PreventionGenetics, part of Exact Sciences
Classification: Likely benign for ITGB2-related condition. Last evaluated: 2021-08-19. Review status: no assertion criteria provided. Collection method: clinical testing. Allele origin: germline. Not counted in ClinVar's aggregate classification.
Comment: This variant is classified as likely benign based on ACMG/AMP sequence variant interpretation guidelines (Richards et al. 2015 PMID: 25741868, with internal and published modifications).

NM_000211.5(ITGB2):c.1464G>A (p.Arg488=)

Gene: ITGB2 (integrin subunit beta 2; minus strand). Cytogenetic location: 21q22.3.
Variant type: single nucleotide variant.
Coding change: c.1464G>A on transcript NM_000211.5 (MANE Select); coding-DNA position 1464, G replaced by A.
Protein change: p.Arg488=; no amino-acid change (arginine 488 retained).
Molecular consequence: synonymous variant.
Genome position (GRCh38, 1-based): chr21:44,890,171, C>T on the plus strand (G>A on the coding strand, the complement: ITGB2 is on the minus strand). VCF-style: chr21-44890171-C-T. GRCh37 (hg19) VCF-style: chr21-46310086-C-T.
Other names: c.1464G>A, p.Arg488= (NM_001127491.3); c.1257G>A, p.Arg419= (NM_001303238.2); c.1464G>A (LRG_76t1).
Identifiers: ClinVar variation 340152 (VCV000340152.19), dbSNP rs202051683, ClinGen allele CA10062805.